The following is an entry in ClinVar:

NM_001134363.3(RBM20):c.2405G>T (p.Gly802Val)

Gene: RBM20 (RNA binding motif protein 20; plus strand). Cytogenetic location: 10q25.2.
Variant type: single nucleotide variant.
Coding change: c.2405G>T on transcript NM_001134363.3 (MANE Select); coding-DNA position 2405, G replaced by T.
Protein change: p.Gly802Val; replaces glycine 802 with valine.
Molecular consequence: missense variant.
Genome position (GRCh38, 1-based): chr10:110,812,802, G>T. VCF-style: chr10-110812802-G-T. GRCh37 (hg19) VCF-style: chr10-112572560-G-T.
Other names: short protein forms G802V.
Identifiers: ClinVar variation 4614826 (VCV004614826.1).

ClinVar aggregate classification (germline): Uncertain significance (1 of 4 stars; one submission).

Conditions:
Cardiovascular phenotype. Identifiers: MedGen CN230736.

Submission:

Ambry Genetics
Classification: Uncertain significance for Cardiovascular phenotype. Last evaluated: 2025-10-26. Review status: criteria provided, single submitter. Criteria: Ambry Variant Classification Scheme 2023. Collection method: clinical testing. Allele origin: germline.
Comment: The p.G802V variant (also known as c.2405G>T), located in coding exon 9 of the RBM20 gene, results from a G to T substitution at nucleotide position 2405. The glycine at codon 802 is replaced by valine, an amino acid with dissimilar properties. This amino acid position is conserved. In addition, this alteration is predicted to be tolerated by in silico analysis. Based on the available evidence, the clinical significance of this variant remains unclear.